The following is an entry in ClinVar:

ClinVar aggregate classification (germline): Uncertain significance. Review status: criteria provided, multiple submitters, no conflicts (2 of 4 stars). 2 submissions from 2 submitters: Uncertain significance (2). Last evaluated 2026-04-27.

Submissions (2):

Women's Health and Genetics/Laboratory Corporation of America, LabCorp
Classification: Uncertain significance. Last evaluated: 2026-04-27. Review status: criteria provided, single submitter. Criteria: LabCorp Variant Classification Summary - May 2015. Collection method: clinical testing. Allele origin: germline.
Comment: Variant summary: RHOBTB2 c.1054_1068del15 (p.His352_His356del) results in an in-frame deletion that is predicted to remove five amino acids from the encoded protein. The variant allele was found at a frequency of 8.1e-06 in 245812 control chromosomes. The available data on variant occurrences in the general population are insufficient to allow any conclusion about variant significance. To our knowledge, no occurrence of c.1054_1068del15 in individuals affected with RHOBTB2-related conditions and no experimental evidence demonstrating its impact on protein function have been reported. ClinVar contains an entry for this variant (Variation ID: 1482336). Based on the evidence outlined above, the variant was classified as uncertain significance.

Labcorp Genetics (formerly Invitae), Labcorp
Classification: Uncertain significance. Last evaluated: 2024-03-20. Review status: criteria provided, single submitter. Criteria: Invitae Variant Classification Sherloc (09022015). Collection method: clinical testing. Allele origin: germline.
Comment: This variant, c.1054_1068del, results in the deletion of 5 amino acid(s) of the RHOBTB2 protein (p.His352_His356del), but otherwise preserves the integrity of the reading frame. This variant is present in population databases (rs753224986, gnomAD 0.01%). This variant has not been reported in the literature in individuals affected with RHOBTB2-related conditions. ClinVar contains an entry for this variant (Variation ID: 1482336). Experimental studies and prediction algorithms are not available or were not evaluated, and the functional significance of this variant is currently unknown. In summary, the available evidence is currently insufficient to determine the role of this variant in disease. Therefore, it has been classified as a Variant of Uncertain Significance.

NM_015178.3(RHOBTB2):c.988_1002del (p.His330_His334del)

Gene: RHOBTB2 (Rho related BTB domain containing 2; plus strand). Cytogenetic location: 8p21.3.
Variant type: Deletion.
Coding change: c.988_1002del on transcript NM_015178.3 (MANE Select); coding-DNA positions 988 to 1002, 15 bases deleted (CACCACCACCACCAT).
Protein change: p.His330_His334del.
Molecular consequence: inframe deletion.
Genome position (GRCh38, 1-based): chr8:23,007,233-23,007,247, CACCACCACCACCAT deleted; deleting any 15 consecutive bases within chr8:23,007,221-23,007,247 gives the same sequence; the c. name uses the placement nearest the transcript's 3' end. VCF-style (leftmost placement, unchanged base first): chr8-23007220-ACACCACCACCATCAC-A. GRCh37 (hg19) VCF-style: chr8-22864733-ACACCACCACCATCAC-A.
Other names: c.1054_1068del, p.His352_His356del (NM_001160036.2); c.1009_1023del, p.His337_His341del (NM_001160037.2); c.988_1002del, p.His330_His334del (NM_001374791.1); c.1054_1068del15 (NM_001160036.2).
Identifiers: ClinVar variation 1482336 (VCV001482336.7), dbSNP rs753224986, ClinGen allele CA4672577.
Genomic context (GRCh38, chr8:23,007,220, plus strand): 5'-GGGGGGCCCCTCGGAGCCAGGGGGCACCCACCCAGAGGACCACCAGGGCCACTCTGATCA[ACACCACCACCATCAC>A]CACCACCACCATGGGCGAGACTTCCTGCTCCGAGCAGCCAGCTTTGACGTGTGCGAGAGC-3'